The following is an entry in ClinVar:

ClinVar aggregate classification (germline): Likely benign. Review status: criteria provided, multiple submitters, no conflicts (2 of 4 stars). 2 submissions from 2 submitters: Likely benign (2). Last evaluated 2023-12-06.

Allele frequency attached by ClinVar (database versions not stated): gnomAD exomes below 0.00001; TOPMed below 0.00001; ExAC 0.00001; gnomAD 0.00001; ESP Exome Variant Server 0.00009.

Submissions (2):

Blueprint Genetics
Classification: Likely benign. Last evaluated: 2023-12-06. Review status: criteria provided, single submitter. Criteria: ACMG Guidelines, 2015. Collection method: clinical testing. Allele origin: germline.

Women's Health and Genetics/Laboratory Corporation of America, LabCorp
Classification: Likely benign. Last evaluated: 2023-11-14. Review status: criteria provided, single submitter. Criteria: LabCorp Variant Classification Summary - May 2015. Collection method: clinical testing. Allele origin: germline.
Comment: Variant summary: ATP2B3 c.3051+17C>T alters a non-conserved nucleotide located at a position not widely known to affect splicing. Consensus agreement among computation tools predict no significant impact on normal splicing. However, these predictions have yet to be confirmed by functional studies. The variant allele was found at a frequency of 1.1e-05 in 181468 control chromosomes. The available data on variant occurrences in the general population are insufficient to allow any conclusion about variant significance. To our knowledge, no occurrence of c.3051+17C>T in individuals affected with X-Linked Progressive Cerebellar Ataxia and no experimental evidence demonstrating its impact on protein function have been reported. No submitters have cited clinical-significance assessments for this variant to ClinVar after 2014. Based on the evidence outlined above, the variant was classified as likely benign.

NM_001001344.3(ATP2B3):c.3051+17C>T

Gene: ATP2B3 (ATPase plasma membrane Ca2+ transporting 3; plus strand). Cytogenetic location: Xq28.
Variant type: single nucleotide variant.
Coding change: c.3051+17C>T on transcript NM_001001344.3 (MANE Select); 17 bases into the intron after coding-DNA position 3051, C replaced by T.
Molecular consequence: intron variant.
Genome position (GRCh38, 1-based): chrX:153,560,904, C>T. VCF-style: chrX-153560904-C-T. GRCh37 (hg19) VCF-style: chrX-152826362-C-T.
Other names: c.3051+17C>T (NM_021949.4, NM_001388360.1, NM_001388361.1 and 1 more transcripts).
Identifiers: ClinVar variation 1705129 (VCV001705129.3), dbSNP rs374095870, ClinGen allele CA10548107.